The following is an entry in ClinVar:

NM_000090.4(COL3A1):c.2756T>G (p.Val919Gly)

Gene: COL3A1 (collagen type III alpha 1 chain; plus strand). Cytogenetic location: 2q32.2.
Variant type: single nucleotide variant.
Coding change: c.2756T>G on transcript NM_000090.4 (MANE Select); coding-DNA position 2756, T replaced by G.
Protein change: p.Val919Gly; replaces valine 919 with glycine.
Molecular consequence: missense variant.
Genome position (GRCh38, 1-based): chr2:189,004,076, T>G. VCF-style: chr2-189004076-T-G. GRCh37 (hg19) VCF-style: chr2-189868802-T-G.
Other names: short protein forms V919G.
Identifiers: ClinVar variation 927868 (VCV000927868.5), dbSNP rs1426365127, ClinGen allele CA349844072.

ClinVar aggregate classification (germline): Uncertain significance (1 of 4 stars; one submission).

Conditions:
Familial thoracic aortic aneurysm and aortic dissection (TAAD). Also called: Thoracic aortic aneurysms and dissections. Identifiers: Orphanet 91387, MedGen C4707243, MONDO:0019625.

Allele frequency attached by ClinVar (database versions not stated): gnomAD exomes below 0.00001.
gnomAD v4.1: 2 of 1,613,192 alleles (0.00012%); highest among the groups gnomAD compares: South Asian, 0.0022%; no homozygotes.

Submission:

Color Diagnostics, LLC DBA Color Health
Classification: Uncertain significance for Familial thoracic aortic aneurysm and aortic dissection. Last evaluated: 2023-12-04. Review status: criteria provided, single submitter. Criteria: ACMG Guidelines, 2015. Collection method: clinical testing. Allele origin: germline.
Comment: Variant of Uncertain Significance due to insufficient evidence: This missense variant is located in the triple-helical region of the COL3A1 protein. Computational prediction tools and conservation analyses are inconclusive regarding the impact of this variant on the protein function. Computational splicing tools suggest that this variant may not impact RNA splicing. To our knowledge, functional assays have not been performed for this variant nor has this variant been reported in individuals affected with cardiovascular disorders in the literature. This variant has been identified in 1/245692 chromosomes in the general population by the Genome Aggregation Database (gnomAD). Available evidence is insufficient to determine the role of this variant in disease conclusively.